The following is an entry in ClinVar:

ClinVar aggregate classification (germline): Uncertain significance. Review status: criteria provided, multiple submitters, no conflicts (2 of 4 stars). 2 submissions from 2 submitters: Uncertain significance (2). Last evaluated 2025-08-30.

Conditions:
Severe early-onset pulmonary alveolar proteinosis due to MARS deficiency. Also called: PULMONARY ALVEOLAR PROTEINOSIS, REUNION ISLAND; Interstitial lung and liver disease. Identifiers: Orphanet 440427, MedGen C4225400, MONDO:0014206, OMIM 615486.
Charcot-Marie-Tooth disease axonal type 2U. Also called: CHARCOT-MARIE-TOOTH NEUROPATHY, TYPE 2U; CHARCOT-MARIE-TOOTH DISEASE, AXONAL, AUTOSOMAL DOMINANT, TYPE 2U. Identifiers: Orphanet 397735, MedGen C4084821, MONDO:0014566, OMIM 616280.

Allele frequency attached by ClinVar (database versions not stated): TOPMed below 0.00001; gnomAD 0.00003.
gnomAD v4.1: 20 of 1,614,070 alleles (0.0012%); highest among the groups gnomAD compares: African/African-American, 0.0027%; no homozygotes.

Submissions (2):

Labcorp Genetics (formerly Invitae), Labcorp
Classification: Uncertain significance for Charcot-Marie-Tooth disease axonal type 2U; Severe early-onset pulmonary alveolar proteinosis due to MARS deficiency. Last evaluated: 2025-08-30. Review status: criteria provided, single submitter. Criteria: Invitae Variant Classification Sherloc (09022015). Collection method: clinical testing. Allele origin: germline.
Comment: This sequence change replaces arginine, which is basic and polar, with histidine, which is basic and polar, at codon 345 of the MARS protein (p.Arg345His). This variant is present in population databases (no rsID available, gnomAD 0.01%). This variant has not been reported in the literature in individuals affected with MARS-related conditions. ClinVar contains an entry for this variant (Variation ID: 1987990). An algorithm developed to predict the effect of missense changes on protein structure and function outputs the following: PolyPhen-2: "Benign". The histidine amino acid residue is found in multiple mammalian species, which suggests that this missense change does not adversely affect protein function. In summary, the available evidence is currently insufficient to determine the role of this variant in disease. Therefore, it has been classified as a Variant of Uncertain Significance.

Ambry Genetics
Classification: Uncertain significance. Last evaluated: 2022-11-15. Review status: criteria provided, single submitter. Criteria: Ambry Variant Classification Scheme 2023. Collection method: clinical testing. Allele origin: germline.

NM_004990.4(MARS1):c.1034G>A (p.Arg345His)

Gene: MARS1 (methionyl-tRNA synthetase 1; plus strand). Cytogenetic location: 12q13.3.
Variant type: single nucleotide variant.
Coding change: c.1034G>A on transcript NM_004990.4 (MANE Select); coding-DNA position 1034, G replaced by A.
Protein change: p.Arg345His; replaces arginine 345 with histidine.
Molecular consequence: missense variant.
Genome position (GRCh38, 1-based): chr12:57,498,566, G>A. VCF-style: chr12-57498566-G-A. GRCh37 (hg19) VCF-style: chr12-57892349-G-A.
Other names: short protein forms R345H.
Identifiers: ClinVar variation 1987990 (VCV001987990.5), dbSNP rs755272942, ClinGen allele CA385456116.